The following is an entry in ClinVar:

ClinVar aggregate classification (germline): Uncertain significance. Review status: criteria provided, multiple submitters, no conflicts (2 of 4 stars). 2 submissions from 2 submitters: Uncertain significance (2). Last evaluated 2025-09-25.

Conditions:
Joubert syndrome 20 (JBTS20). Identifiers: Orphanet 475, MedGen C3554235, MONDO:0013994, OMIM 614970.
Meckel syndrome, type 11 (MKS11). Identifiers: Orphanet 564, MedGen C3809352, MONDO:0014164, OMIM 615397.
Inborn genetic diseases. Identifiers: MedGen C0950123, MeSH D030342.

Allele frequency attached by ClinVar (database versions not stated): gnomAD 0.00001; TOPMed 0.00001; gnomAD exomes 0.00002.
gnomAD v4.1: 26 of 1,604,304 alleles (0.0016%); highest among the groups gnomAD compares: Non-Finnish European, 0.0021%; no homozygotes.

Submissions (2):

Ambry Genetics
Classification: Uncertain significance for Inborn genetic diseases. Last evaluated: 2025-09-25. Review status: criteria provided, single submitter. Criteria: Ambry Variant Classification Scheme 2023. Collection method: clinical testing. Allele origin: germline.

Labcorp Genetics (formerly Invitae), Labcorp
Classification: Uncertain significance for Joubert syndrome 20; Meckel syndrome, type 11. Last evaluated: 2022-03-26. Review status: criteria provided, single submitter. Criteria: Invitae Variant Classification Sherloc (09022015). Collection method: clinical testing. Allele origin: germline.
Comment: In summary, the available evidence is currently insufficient to determine the role of this variant in disease. Therefore, it has been classified as a Variant of Uncertain Significance. Algorithms developed to predict the effect of missense changes on protein structure and function are either unavailable or do not agree on the potential impact of this missense change (SIFT: "Deleterious"; PolyPhen-2: "Not Available"; Align-GVGD: "Class C25"). This variant has not been reported in the literature in individuals affected with TMEM231-related conditions. This variant is not present in population databases (gnomAD no frequency). This sequence change replaces proline, which is neutral and non-polar, with alanine, which is neutral and non-polar, at codon 112 of the TMEM231 protein (p.Pro112Ala).

NM_001077418.3(TMEM231):c.175C>G (p.Pro59Ala)

Gene: TMEM231 (transmembrane protein 231; minus strand). Cytogenetic location: 16q23.1.
Variant type: single nucleotide variant.
Coding change: c.175C>G on transcript NM_001077418.3 (MANE Select); coding-DNA position 175, C replaced by G.
Protein change: p.Pro59Ala; replaces proline 59 with alanine.
Molecular consequence: missense variant. On other transcripts: non-coding transcript variant (1).
Genome position (GRCh38, 1-based): chr16:75,555,938, G>C on the plus strand (C>G on the coding strand, the complement: TMEM231 is on the minus strand). VCF-style: chr16-75555938-G-C. GRCh37 (hg19) VCF-style: chr16-75589836-G-C.
Other names: c.262C>G (NM_001077416.1); c.334C>G, p.Pro112Ala (NM_001077416.2); short protein forms P112A, P59A.
Identifiers: ClinVar variation 2078478 (VCV002078478.5), dbSNP rs1841504562, ClinGen allele CA396809381.